The following is an entry in ClinVar:

NM_004304.5(ALK):c.4477C>T (p.His1493Tyr)

Gene: ALK (ALK receptor tyrosine kinase; minus strand). Cytogenetic location: 2p23.2.
Variant type: single nucleotide variant.
Coding change: c.4477C>T on transcript NM_004304.5 (MANE Select); coding-DNA position 4477, C replaced by T.
Protein change: p.His1493Tyr; replaces histidine 1493 with tyrosine.
Molecular consequence: missense variant.
Genome position (GRCh38, 1-based): chr2:29,193,610, G>A on the plus strand (C>T on the coding strand, the complement: ALK is on the minus strand). VCF-style: chr2-29193610-G-A. GRCh37 (hg19) VCF-style: chr2-29416476-G-A.
Other names: c.1273C>T, p.His425Tyr (NM_001353765.2); short protein forms H425Y, H1493Y.
Identifiers: ClinVar variation 2708634 (VCV002708634.3), dbSNP rs2148138178, ClinGen allele CA346461954.
Genomic context (GRCh38, chr2:29,193,610, plus strand): 5'-CTGTAAACCAGGAGCCGTACGTTGGGTTCCACAAGCTGGTGGGCTTGTTTCTGGATCCGT[G>A]GACCTTGTGCAACTCCGAAGGAGGGTTGGACTGAGAGAATGCCATATTCACGTGTCCCCC-3'
Protein context (NP_004295.2, residues 1483-1503): SNPPSELHKV[His1493Tyr]GSRNKPTSLW

ClinVar aggregate classification (germline): Uncertain significance (1 of 4 stars; one submission).

Conditions:
Neuroblastoma, susceptibility to, 3. Also called: ALK-Related Neuroblastic Tumor Susceptibility. Identifiers: Orphanet 635, MedGen C2751681, MONDO:0013083, OMIM 613014.

Submission:

Labcorp Genetics (formerly Invitae), Labcorp
Classification: Uncertain significance for Neuroblastoma, susceptibility to, 3. Last evaluated: 2024-01-10. Review status: criteria provided, single submitter. Criteria: Invitae Variant Classification Sherloc (09022015). Collection method: clinical testing. Allele origin: germline.
Comment: This sequence change replaces histidine, which is basic and polar, with tyrosine, which is neutral and polar, at codon 1493 of the ALK protein (p.His1493Tyr). This variant is not present in population databases (gnomAD no frequency). This variant has not been reported in the literature in individuals affected with ALK-related conditions. An algorithm developed to predict the effect of missense changes on protein structure and function (PolyPhen-2) suggests that this variant is likely to be tolerated. In summary, the available evidence is currently insufficient to determine the role of this variant in disease. Therefore, it has been classified as a Variant of Uncertain Significance.